The following is an entry in ClinVar:

NM_002386.4(MC1R):c.414C>G (p.Ile138Met)

Gene: MC1R (melanocortin 1 receptor; plus strand). Cytogenetic location: 16q24.3.
Variant type: single nucleotide variant.
Coding change: c.414C>G on transcript NM_002386.4 (MANE Select); coding-DNA position 414, C replaced by G.
Protein change: p.Ile138Met; replaces isoleucine 138 with methionine.
Molecular consequence: missense variant.
Genome position (GRCh38, 1-based): chr16:89,919,672, C>G. VCF-style: chr16-89919672-C-G. GRCh37 (hg19) VCF-style: chr16-89986080-C-G.
Other names: short protein forms I138M.
Identifiers: ClinVar variation 4826604 (VCV004826604.1).
Genomic context (GRCh38, chr16:89,919,672, plus strand): 5'-TGTCATTGACGTGATCACCTGCAGCTCCATGCTGTCCAGCCTCTGCTTCCTGGGCGCCAT[C>G]GCCGTGGACCGCTACATCTCCATCTTCTACGCACTGCGCTACCACAGCATCGTGACCCTG-3'
Protein context (NP_002377.4, residues 128-148): MLSSLCFLGA[Ile138Met]AVDRYISIFY

ClinVar aggregate classification (germline): Uncertain significance (1 of 4 stars; one submission).

Submission:

Ambry Genetics
Classification: Uncertain significance. Last evaluated: 2026-02-23. Review status: criteria provided, single submitter. Criteria: Ambry Variant Classification Scheme 2023. Collection method: clinical testing. Allele origin: germline.
Comment: The p.I138M variant (also known as c.414C>G), located in coding exon 1 of the MC1R gene, results from a C to G substitution at nucleotide position 414. The isoleucine at codon 138 is replaced by methionine, an amino acid with highly similar properties. This amino acid position is conserved. In addition, the in silico prediction for this alteration is inconclusive. Based on the available evidence, the clinical significance of this variant remains unclear.